The following is an entry in ClinVar:

ClinVar aggregate classification (germline): Uncertain significance (1 of 4 stars; one submission).

Conditions:
Tuberous sclerosis 2 (TSC2). Identifiers: Orphanet 805, MedGen C1860707, MONDO:0013199, OMIM 613254.

Submission:

Labcorp Genetics (formerly Invitae), Labcorp
Classification: Uncertain significance for Tuberous sclerosis 2. Last evaluated: 2025-03-03. Review status: criteria provided, single submitter. Criteria: Invitae Variant Classification Sherloc (09022015). Collection method: clinical testing. Allele origin: germline.
Comment: This sequence change replaces isoleucine, which is neutral and non-polar, with methionine, which is neutral and non-polar, at codon 442 of the TSC2 protein (p.Ile442Met). This variant is not present in population databases (gnomAD no frequency). This variant has not been reported in the literature in individuals affected with TSC2-related conditions. ClinVar contains an entry for this variant (Variation ID: 861959). Invitae Evidence Modeling of protein sequence and biophysical properties (such as structural, functional, and spatial information, amino acid conservation, physicochemical variation, residue mobility, and thermodynamic stability) indicates that this missense variant is not expected to disrupt TSC2 protein function with a negative predictive value of 95%. In summary, the available evidence is currently insufficient to determine the role of this variant in disease. Therefore, it has been classified as a Variant of Uncertain Significance.

NM_000548.5(TSC2):c.1326T>G (p.Ile442Met)

Gene: TSC2 (TSC complex subunit 2; plus strand). Cytogenetic location: 16p13.3.
Variant type: single nucleotide variant.
Coding change: c.1326T>G on transcript NM_000548.5 (MANE Select); coding-DNA position 1326, T replaced by G.
Protein change: p.Ile442Met; replaces isoleucine 442 with methionine.
Molecular consequence: missense variant.
Genome position (GRCh38, 1-based): chr16:2,062,565, T>G. VCF-style: chr16-2062565-T-G. GRCh37 (hg19) VCF-style: chr16-2112566-T-G.
Other names: c.1326T>G, p.Ile442Met (NM_001077183.3, NM_001114382.3, NM_001363528.2 and 3 more transcripts); c.1215T>G, p.Ile405Met (NM_001318827.2); c.1179T>G, p.Ile393Met (NM_001318829.2); c.726T>G, p.Ile242Met (NM_001318831.2); c.1359T>G, p.Ile453Met (NM_001318832.2); short protein forms I405M, I242M, I393M, I442M, I453M.
Identifiers: ClinVar variation 861959 (VCV000861959.10), dbSNP rs2086776250, ClinGen allele CA394322413.